The following is an entry in ClinVar:

ClinVar aggregate classification (germline): Benign (0 of 4 stars; one submission).

Conditions:
KLK3-related disorder. Also called: KLK3-related condition.

Allele frequency attached by ClinVar (database versions not stated): 1000 Genomes Project 0.07169; 1000 Genomes Project 30x 0.07511; ExAC 0.07649; gnomAD 0.08175; ESP Exome Variant Server 0.08627; TOPMed 0.08879.

Submission:

PreventionGenetics, part of Exact Sciences
Classification: Benign for KLK3-related condition. Last evaluated: 2019-12-02. Review status: no assertion criteria provided. Collection method: clinical testing. Allele origin: germline.
Comment: This variant is classified as benign based on ACMG/AMP sequence variant interpretation guidelines (Richards et al. 2015 PMID: 25741868, with internal and published modifications).

NM_001648.2(KLK3):c.631-425C>T

Gene: KLK3 (kallikrein related peptidase 3; plus strand). Cytogenetic location: 19q13.33.
Variant type: single nucleotide variant.
Coding change: c.631-425C>T on transcript NM_001648.2 (MANE Select); 425 bases into the intron before coding-DNA position 631, C replaced by T.
Molecular consequence: intron variant. On other transcripts: synonymous variant (1).
Genome position (GRCh38, 1-based): chr19:50,859,547, C>T. VCF-style: chr19-50859547-C-T. GRCh37 (hg19) VCF-style: chr19-51362803-C-T.
Other names: c.648C>T, p.Thr216= (NM_001030047.1); c.502-425C>T (NM_001030048.1).
Identifiers: ClinVar variation 3055674 (VCV003055674.2), dbSNP rs35192866, ClinGen allele CA9604547.